The following is an entry in ClinVar:

ClinVar aggregate classification (germline): Likely benign. Review status: criteria provided, multiple submitters, no conflicts (2 of 4 stars). 3 submissions from 3 submitters: Likely benign (3). Last evaluated 2026-02-26.

Conditions:
PLEC-related disorder. Also called: PLEC-related disorders; PLEC-related condition.
Epidermolysis bullosa simplex with nail dystrophy (EBS5D). Identifiers: MedGen C4225309, MONDO:0014661, OMIM 616487.
Autosomal recessive limb-girdle muscular dystrophy type 2Q (LGMDR17). Also called: MUSCULAR DYSTROPHY, LIMB-GIRDLE, AUTOSOMAL RECESSIVE 17. Identifiers: Orphanet 254361, MedGen C3150989, MONDO:0013390, OMIM 613723.
Epidermolysis bullosa simplex, Ogna type (EBS5A). Also called: Pidermolysis bullosa simplex 5A, Ogna type; EPIDERMOLYSIS BULLOSA SIMPLEX 5A, OGNA TYPE. Identifiers: Orphanet 79401, MedGen C0432317, MONDO:0007555, OMIM 131950.
Epidermolysis bullosa simplex 5C, with pyloric atresia (EBS5C). Also called: PLEC-Related Epidermolysis Bullosa with Pyloric Atresia; Epidermolysis bullosa simplex with pyloric atresia; PLEC1-Related Epidermolysis Bullosa with Pyloric Atresia. Identifiers: Orphanet 158684, MedGen C2677349, MONDO:0012807, OMIM 612138.
Epidermolysis bullosa simplex 5B, with muscular dystrophy (EBS5B). Also called: EPIDERMOLYSIS BULLOSA SIMPLEX AND LIMB-GIRDLE MUSCULAR DYSTROPHY; Epidermolysis bullosa simplex with muscular dystrophy. Identifiers: Orphanet 257, MedGen C2931072, MONDO:0009181, OMIM 226670.

Allele frequency attached by ClinVar (database versions not stated): gnomAD 0.00006 and 0.00008; TOPMed 0.00007; gnomAD exomes 0.00010 and 0.00014; ExAC 0.00055.
gnomAD v4.1: 153 of 1,535,524 alleles (0.01%); highest among the groups gnomAD compares: East Asian, 0.27%; no homozygotes.

Submissions (3):

PreventionGenetics, part of Exact Sciences
Classification: Likely benign for PLEC-related condition. Last evaluated: 2026-02-26. Review status: criteria provided, single submitter. Criteria: ACMG Guidelines, 2015. Collection method: clinical testing. Allele origin: germline.
Comment: This variant is classified as likely benign based on ACMG/AMP sequence variant interpretation guidelines (Richards et al. 2015 PMID: 25741868, with internal and published modifications).

Labcorp Genetics (formerly Invitae), Labcorp
Classification: Likely benign for Autosomal recessive limb-girdle muscular dystrophy type 2Q; Epidermolysis bullosa simplex, Ogna type; Epidermolysis bullosa simplex with nail dystrophy; Epidermolysis bullosa simplex 5C, with pyloric atresia; Epidermolysis bullosa simplex 5B, with muscular dystrophy. Last evaluated: 2025-12-17. Review status: criteria provided, single submitter. Criteria: Invitae Variant Classification Sherloc (09022015). Collection method: clinical testing. Allele origin: germline.

Blueprint Genetics
Classification: Likely benign. Last evaluated: 2024-10-11. Review status: criteria provided, single submitter. Criteria: ACMG Guidelines, 2015. Collection method: clinical testing. Allele origin: germline.

NM_201384.3(PLEC):c.5409C>T (p.Ala1803=)

Gene: PLEC (plectin; minus strand). Cytogenetic location: 8q24.3.
Variant type: single nucleotide variant.
Coding change: c.5409C>T on transcript NM_201384.3 (MANE Select); coding-DNA position 5409, C replaced by T.
Protein change: p.Ala1803=; no amino-acid change (alanine 1803 retained).
Molecular consequence: synonymous variant.
Genome position (GRCh38, 1-based): chr8:143,924,520, G>A on the plus strand (C>T on the coding strand, the complement: PLEC is on the minus strand). VCF-style: chr8-143924520-G-A. GRCh37 (hg19) VCF-style: chr8-144998688-G-A.
Other names: c.5490C>T (NM_000445.4); c.5490C>T, p.Ala1830= (NM_000445.5); c.5367C>T, p.Ala1789= (NM_201378.4); c.5343C>T, p.Ala1781= (NM_201379.3); c.5820C>T, p.Ala1940= (NM_201380.4); c.5313C>T, p.Ala1771= (NM_201381.3); c.5409C>T, p.Ala1803= (NM_201382.4); c.5421C>T, p.Ala1807= (NM_201383.3).
Identifiers: ClinVar variation 1135990 (VCV001135990.9), dbSNP rs781879421, ClinGen allele CA4926372.
Genomic context (GRCh38, chr8:143,924,520, plus strand): 5'-GTCTTCCTCGGCCAGCTGCCGCTGCCGCTTGGCCTCTTCCGCCAGGGCACGCAGGCGGGC[G>A]GCCTCCTCGGCCAGCTCGCGGAACCGGCCGGCCTCGGCCTCCAGCCTCTGCTTGGACTTC-3'
Protein context (NP_958786.1, residues 1793-1813): AGRFRELAEE[Ala1803=]ARLRALAEEA